The following is an entry in ClinVar:

ClinVar aggregate classification (germline): Uncertain significance (1 of 4 stars; one submission).

Submission:

Ambry Genetics
Classification: Uncertain significance. Last evaluated: 2024-10-28. Review status: criteria provided, single submitter. Criteria: Ambry Variant Classification Scheme 2023. Collection method: clinical testing. Allele origin: germline.
Comment: The p.I141V variant (also known as c.421A>G), located in coding exon 5 of the PDLIM3 gene, results from an A to G substitution at nucleotide position 421. The isoleucine at codon 141 is replaced by valine, an amino acid with highly similar properties. This amino acid position is conserved. In addition, this alteration is predicted to be tolerated by in silico analysis. Based on the available evidence, the clinical significance of this variant remains unclear.

NM_014476.6(PDLIM3):c.421A>G (p.Ile141Val)

Gene: PDLIM3 (PDZ and LIM domain 3; minus strand). Cytogenetic location: 4q35.1.
Variant type: single nucleotide variant.
Coding change: c.421A>G on transcript NM_014476.6 (MANE Select); coding-DNA position 421, A replaced by G.
Protein change: p.Ile141Val; replaces isoleucine 141 with valine.
Molecular consequence: missense variant. On other transcripts: intron variant (3).
Genome position (GRCh38, 1-based): chr4:185,508,540, T>C on the plus strand (A>G on the coding strand, the complement: PDLIM3 is on the minus strand). VCF-style: chr4-185508540-T-C. GRCh37 (hg19) VCF-style: chr4-186429694-T-C.
Other names: c.162-1888A>G (NM_001257963.2); c.399-1888A>G (NM_001257962.2); c.519-1888A>G (NM_001114107.5); short protein forms I141V.
Identifiers: ClinVar variation 3416607 (VCV003416607.1).